The following is an entry in ClinVar:

ClinVar aggregate classification (germline): Likely benign. Review status: criteria provided, multiple submitters, no conflicts (2 of 4 stars). 2 submissions from 2 submitters: Likely benign (2). Last evaluated 2026-06-01.

Conditions:
Galactosylceramide beta-galactosidase deficiency. Also called: Leukodystrophy, Globoid Cell; Krabbe Disease; GALACTOCEREBROSIDASE DEFICIENCY; GALC DEFICIENCY; GLOBOID CELL LEUKOENCEPHALOPATHY. Identifiers: Orphanet 487, MedGen C0023521, MONDO:0009499, OMIM 245200.

Allele frequency attached by ClinVar (database versions not stated): gnomAD exomes 0.00001 and 0.00002; ExAC 0.00003; ESP Exome Variant Server 0.00008; gnomAD 0.00008 and 0.00010; TOPMed 0.00014.
gnomAD v4.1: 32 of 1,613,744 alleles (0.002%); highest among the groups gnomAD compares: African/African-American, 0.023%; no homozygotes.

Submissions (2):

CeGaT Center for Human Genetics Tuebingen
Classification: Likely benign. Last evaluated: 2026-06-01. Review status: criteria provided, single submitter. Criteria: CeGaT Center For Human Genetics Tuebingen Variant Classification Criteria Version 2. Collection method: clinical testing. Allele origin: germline. Affected: yes. Observed: 1 variant allele.
Comment: GALC: BP4, BP7

Labcorp Genetics (formerly Invitae), Labcorp
Classification: Likely benign for Galactosylceramide beta-galactosidase deficiency. Last evaluated: 2025-12-03. Review status: criteria provided, single submitter. Criteria: Invitae Variant Classification Sherloc (09022015). Collection method: clinical testing. Allele origin: germline.

NM_000153.4(GALC):c.828T>C (p.Phe276=)

Gene: GALC (galactosylceramidase; minus strand). Cytogenetic location: 14q31.3.
Variant type: single nucleotide variant.
Coding change: c.828T>C on transcript NM_000153.4 (MANE Select); coding-DNA position 828, T replaced by C.
Protein change: p.Phe276=; no amino-acid change (phenylalanine 276 retained).
Molecular consequence: synonymous variant.
Genome position (GRCh38, 1-based): chr14:87,968,415, A>G on the plus strand (T>C on the coding strand, the complement: GALC is on the minus strand). VCF-style: chr14-87968415-A-G. GRCh37 (hg19) VCF-style: chr14-88434759-A-G.
Other names: c.759T>C, p.Phe253= (NM_001201401.2); c.750T>C, p.Phe250= (NM_001201402.2).
Identifiers: ClinVar variation 1138693 (VCV001138693.11), dbSNP rs368679728, ClinGen allele CA7297234.